The following is an entry in ClinVar:

ClinVar aggregate classification (germline): Uncertain significance (1 of 4 stars; one submission).

Conditions:
Hereditary cancer-predisposing syndrome. Also called: Neoplastic Syndromes, Hereditary; Tumor predisposition; Hereditary Cancer Syndrome; Hereditary neoplastic syndrome. Identifiers: Orphanet 140162, MedGen C0027672, MeSH D009386, MONDO:0015356.

gnomAD v4.1: 5 of 1,613,554 alleles (0.00031%); highest among the groups gnomAD compares: South Asian, 0.0044%; no homozygotes.

Submission:

Ambry Genetics
Classification: Uncertain significance for Hereditary cancer-predisposing syndrome. Last evaluated: 2026-03-03. Review status: criteria provided, single submitter. Criteria: Ambry Variant Classification Scheme 2023. Collection method: clinical testing. Allele origin: germline.
Comment: The p.S228F variant (also known as c.683C>T), located in coding exon 7 of the EPCAM gene, results from a C to T substitution at nucleotide position 683. The serine at codon 228 is replaced by phenylalanine, an amino acid with highly dissimilar properties. This amino acid position is conserved. In addition, this alteration is predicted to be tolerated by in silico analysis. Based on the available evidence, the clinical significance of this variant remains unclear.

NM_002354.3(EPCAM):c.683C>T (p.Ser228Phe)

Gene: EPCAM (epithelial cell adhesion molecule; plus strand). Cytogenetic location: 2p21.
Variant type: single nucleotide variant.
Coding change: c.683C>T on transcript NM_002354.3 (MANE Select); coding-DNA position 683, C replaced by T.
Protein change: p.Ser228Phe; replaces serine 228 with phenylalanine.
Molecular consequence: missense variant.
Genome position (GRCh38, 1-based): chr2:47,379,794, C>T. VCF-style: chr2-47379794-C-T. GRCh37 (hg19) VCF-style: chr2-47606933-C-T.
Other names: short protein forms S228F.
Identifiers: ClinVar variation 4827121 (VCV004827121.1).